The following is an entry in ClinVar:

ClinVar aggregate classification (germline): Uncertain significance (1 of 4 stars; one submission).

Conditions:
COL6A1-related disorder. Also called: COL6A1-related condition.

Submission:

PreventionGenetics, part of Exact Sciences
Classification: Uncertain significance for COL6A1-related condition. Last evaluated: 2026-07-09. Review status: criteria provided, single submitter. Criteria: ACMG Guidelines, 2015. Collection method: clinical testing. Allele origin: germline.
Comment: The COL6A1 c.2408A>G variant is predicted to result in the amino acid substitution p.Lys803Arg. To our knowledge, this variant has not been reported in the literature or in a large population database (gnomAD), indicating this variant is rare. At this time, the clinical significance of this variant is uncertain due to the absence of conclusive functional and genetic evidence.

NM_001848.3(COL6A1):c.2408A>G (p.Lys803Arg)

Gene: COL6A1 (collagen type VI alpha 1 chain; plus strand). Cytogenetic location: 21q22.3.
Variant type: single nucleotide variant.
Coding change: c.2408A>G on transcript NM_001848.3 (MANE Select); coding-DNA position 2408, A replaced by G.
Protein change: p.Lys803Arg; replaces lysine 803 with arginine.
Molecular consequence: missense variant.
Genome position (GRCh38, 1-based): chr21:46,002,684, A>G. VCF-style: chr21-46002684-A-G. GRCh37 (hg19) VCF-style: chr21-47422598-A-G.
Other names: short protein forms K803R.
Identifiers: ClinVar variation 4995942 (VCV004995942.1).